The following is an entry in ClinVar:

ClinVar aggregate classification (germline): Uncertain significance. Review status: criteria provided, multiple submitters, no conflicts (2 of 4 stars). 2 submissions from 2 submitters: Uncertain significance (2). Last evaluated 2026-03-15.

Conditions:
Mitochondrial complex II deficiency, nuclear type 1. Also called: SUCCINATE CoQ REDUCTASE DEFICIENCY. Identifiers: Orphanet 3208, MedGen C5700310, MONDO:0100294, OMIM 252011.
Pheochromocytoma/paraganglioma syndrome 5. Also called: Paragangliomas 5; SDHA-Related Hereditary Paraganglioma-Pheochromocytoma Syndrome. Identifiers: Orphanet 29072, MedGen C3279992, MONDO:0013602, OMIM 614165.
Hereditary cancer-predisposing syndrome. Also called: Neoplastic Syndromes, Hereditary; Hereditary Cancer Syndrome; Hereditary neoplastic syndrome; Tumor predisposition. Identifiers: Orphanet 140162, MedGen C0027672, MeSH D009386, MONDO:0015356.

gnomAD v4.1: 1 of 1,613,852 alleles (0.000062%); highest among the groups gnomAD compares: Non-Finnish European, 0.000085%; no homozygotes.

Submissions (2):

Ambry Genetics
Classification: Uncertain significance for Hereditary cancer-predisposing syndrome. Last evaluated: 2026-03-15. Review status: criteria provided, single submitter. Criteria: Ambry Variant Classification Scheme 2023. Collection method: clinical testing. Allele origin: germline.
Comment: The p.A442S variant (also known as c.1324G>T), located in coding exon 10 of the SDHA gene, results from a G to T substitution at nucleotide position 1324. The alanine at codon 442 is replaced by serine, an amino acid with similar properties. This amino acid position is conserved. In addition, this alteration is predicted to be tolerated by in silico analysis. Based on the available evidence, the clinical significance of this variant remains unclear.

Labcorp Genetics (formerly Invitae), Labcorp
Classification: Uncertain significance for Pheochromocytoma/paraganglioma syndrome 5; Mitochondrial complex II deficiency, nuclear type 1. Last evaluated: 2024-04-16. Review status: criteria provided, single submitter. Criteria: Invitae Variant Classification Sherloc (09022015). Collection method: clinical testing. Allele origin: germline.
Comment: This sequence change replaces alanine, which is neutral and non-polar, with serine, which is neutral and polar, at codon 442 of the SDHA protein (p.Ala442Ser). This variant is not present in population databases (gnomAD no frequency). This variant has not been reported in the literature in individuals affected with SDHA-related conditions. ClinVar contains an entry for this variant (Variation ID: 1476871). Advanced modeling of protein sequence and biophysical properties (such as structural, functional, and spatial information, amino acid conservation, physicochemical variation, residue mobility, and thermodynamic stability) performed at Invitae indicates that this missense variant is not expected to disrupt SDHA protein function with a negative predictive value of 95%. In summary, the available evidence is currently insufficient to determine the role of this variant in disease. Therefore, it has been classified as a Variant of Uncertain Significance.

NM_004168.4(SDHA):c.1324G>T (p.Ala442Ser)

Gene: SDHA (succinate dehydrogenase complex flavoprotein subunit A; plus strand). Cytogenetic location: 5p15.33.
Variant type: single nucleotide variant.
Coding change: c.1324G>T on transcript NM_004168.4 (MANE Select); coding-DNA position 1324, G replaced by T.
Protein change: p.Ala442Ser; replaces alanine 442 with serine.
Molecular consequence: missense variant.
Genome position (GRCh38, 1-based): chr5:236,491, G>T. VCF-style: chr5-236491-G-T. GRCh37 (hg19) VCF-style: chr5-236606-G-T.
Other names: c.1180G>T, p.Ala394Ser (NM_001294332.2); c.1324G>T, p.Ala442Ser (NM_001330758.2); c.1324G>T (NM_004168.2); short protein forms A394S, A442S.
Identifiers: ClinVar variation 1476871 (VCV001476871.9), dbSNP rs754893758, ClinGen allele CA359013929.